The following is an entry in ClinVar:

NM_025137.4(SPG11):c.3502A>G (p.Asn1168Asp)

Gene: SPG11 (SPG11 vesicle trafficking associated, spatacsin; minus strand). Cytogenetic location: 15q21.1.
Variant type: single nucleotide variant.
Coding change: c.3502A>G on transcript NM_025137.4 (MANE Select); coding-DNA position 3502, A replaced by G.
Protein change: p.Asn1168Asp; replaces asparagine 1168 with aspartic acid.
Molecular consequence: missense variant.
Genome position (GRCh38, 1-based): chr15:44,606,043, T>C on the plus strand (A>G on the coding strand, the complement: SPG11 is on the minus strand). VCF-style: chr15-44606043-T-C. GRCh37 (hg19) VCF-style: chr15-44898241-T-C.
Other names: c.3502A>G, p.Asn1168Asp (NM_001160227.2); short protein forms N1168D.
Identifiers: ClinVar variation 568925 (VCV000568925.6), dbSNP rs763749443, ClinGen allele CA7534953.

ClinVar aggregate classification (germline): Uncertain significance (1 of 4 stars; one submission).

Conditions:
Hereditary spastic paraplegia 11. Also called: Spastic paraplegia, mental retardation and thin corpus callosum; SPASTIC PARAPLEGIA, AUTOSOMAL RECESSIVE, COMPLICATED, WITH THIN CORPUS CALLOSUM; SPASTIC PARAPLEGIA, AUTOSOMAL RECESSIVE, WITH MENTAL IMPAIRMENT AND THIN CORPUS CALLOSUM; Nakamura Osame syndrome; Autosomal recessive hereditary spastic paraplegia, mental impairment, and thin corpus callosum; Spastic Paraplegia 11. Identifiers: Orphanet 2822, MedGen C1858479, MONDO:0011445, OMIM 604360.

Allele frequency attached by ClinVar (database versions not stated): gnomAD exomes below 0.00001; ExAC 0.00001.
gnomAD v4.1: 4 of 1,613,802 alleles (0.00025%); highest among the groups gnomAD compares: Non-Finnish European, 0.00034%; no homozygotes.

Submission:

Labcorp Genetics (formerly Invitae), Labcorp
Classification: Uncertain significance for Hereditary spastic paraplegia 11. Last evaluated: 2020-03-12. Review status: criteria provided, single submitter. Criteria: Invitae Variant Classification Sherloc (09022015). Collection method: clinical testing. Allele origin: germline.
Comment: In summary, the available evidence is currently insufficient to determine the role of this variant in disease. Therefore, it has been classified as a Variant of Uncertain Significance. Algorithms developed to predict the effect of missense changes on protein structure and function do not agree on the potential impact of this missense change (SIFT: "Deleterious"; PolyPhen-2: "Possibly Damaging"; Align-GVGD: "Class C0"). This variant has not been reported in the literature in individuals with SPG11-related disease. This variant is present in population databases (rs763749443, ExAC 0.002%). This sequence change replaces asparagine with aspartic acid at codon 1168 of the SPG11 protein (p.Asn1168Asp). The asparagine residue is highly conserved and there is a small physicochemical difference between asparagine and aspartic acid.